The following is an entry in ClinVar:

ClinVar aggregate classification (germline): Uncertain significance (1 of 4 stars; one submission).

Conditions:
Catecholaminergic polymorphic ventricular tachycardia (CVPT). Also called: Catecholamine-induced polymorphic ventricular tachycardia. Identifiers: Orphanet 3286, MedGen C5574922, MONDO:0017990.

Submission:

All of Us Research Program, National Institutes of Health
Classification: Uncertain significance for Catecholaminergic polymorphic ventricular tachycardia. Last evaluated: 2024-03-24. Review status: criteria provided, single submitter. Criteria: ACMG Guidelines, 2015. Collection method: clinical testing. Allele origin: germline. Inheritance: Autosomal dominant inheritance. Observed: 1 variant allele, 1 heterozygote.
Comment: This missense variant replaces isoleucine with methionine at codon 2569 of the RYR2 protein. Computational prediction is inconclusive regarding the impact of this variant on protein structure and function (internally defined REVEL score threshold 0.5 < inconclusive < 0.7, PMID: 27666373). To our knowledge, functional studies have not been reported for this variant. This variant has not been reported in individuals affected with RYR2-related disorders in the literature. This variant has not been identified in the general population by the Genome Aggregation Database (gnomAD). The available evidence is insufficient to determine the role of this variant in disease conclusively. Therefore, this variant is classified as a Variant of Uncertain Significance.

This study involves interpretation of variants in research participants for the purpose of population health screening. Participant phenotype was not available at the time of variant classification. Additional details can be found in publication PMID: 35346344, PMCID: PMC8962531

NM_001035.3(RYR2):c.7707A>G (p.Ile2569Met)

Gene: RYR2 (ryanodine receptor 2; plus strand). Cytogenetic location: 1q43.
Variant type: single nucleotide variant.
Coding change: c.7707A>G on transcript NM_001035.3 (MANE Select); coding-DNA position 7707, A replaced by G.
Protein change: p.Ile2569Met; replaces isoleucine 2569 with methionine.
Molecular consequence: missense variant.
Genome position (GRCh38, 1-based): chr1:237,650,071, A>G. VCF-style: chr1-237650071-A-G. GRCh37 (hg19) VCF-style: chr1-237813371-A-G.
Other names: short protein forms I2569M.
Identifiers: ClinVar variation 3385781 (VCV003385781.1).